The following is an entry in ClinVar:

ClinVar aggregate classification (germline): Uncertain significance (1 of 4 stars; one submission).

Conditions:
Primary familial hypertrophic cardiomyopathy (HCM). Identifiers: Orphanet 99739, MedGen C0949658, MeSH D024741, MONDO:0024573. Inheritance: Various modes of inheritance.
Dilated cardiomyopathy 1AA (CMD1AA). Also called: CARDIOMYOPATHY, DILATED, 1AA, WITH OR WITHOUT LEFT VENTRICULAR NONCOMPACTION; CARDIOMYOPATHY, FAMILIAL HYPERTROPHIC, 23, WITH OR WITHOUT LEFT VENTRICULAR NONCOMPACTION; Cardiomyopathy, dilated, 1AA, with or without LVNC. Identifiers: Orphanet 154, MedGen C2677338, MONDO:0012808, OMIM 612158.

Allele frequency attached by ClinVar (database versions not stated): gnomAD exomes below 0.00001; ExAC 0.00001; TOPMed 0.00001; ESP Exome Variant Server 0.00008.
gnomAD v4.1: 6 of 1,614,138 alleles (0.00037%); highest among the groups gnomAD compares: Non-Finnish European, 0.00051%; no homozygotes.

Submission:

Labcorp Genetics (formerly Invitae), Labcorp
Classification: Uncertain significance for Primary familial hypertrophic cardiomyopathy; Dilated cardiomyopathy 1AA. Last evaluated: 2023-01-17. Review status: criteria provided, single submitter. Criteria: Invitae Variant Classification Sherloc (09022015). Collection method: clinical testing. Allele origin: germline.
Comment: In summary, the available evidence is currently insufficient to determine the role of this variant in disease. Therefore, it has been classified as a Variant of Uncertain Significance. Variants that disrupt the consensus splice site are a relatively common cause of aberrant splicing (PMID: 17576681, 9536098). Algorithms developed to predict the effect of sequence changes on RNA splicing suggest that this variant is not likely to affect RNA splicing. This variant has not been reported in the literature in individuals affected with ACTN2-related conditions. This variant is not present in population databases (gnomAD no frequency). This sequence change falls in intron 11 of the ACTN2 gene. It does not directly change the encoded amino acid sequence of the ACTN2 protein. It affects a nucleotide within the consensus splice site.

Literature cited by the submitters: PubMed 17576681; PubMed 9536098.

NM_001103.4(ACTN2):c.1255+3A>G

Gene: ACTN2 (actinin alpha 2; plus strand). Cytogenetic location: 1q43.
Variant type: single nucleotide variant.
Coding change: c.1255+3A>G on transcript NM_001103.4 (MANE Select); 3 bases into the intron after coding-DNA position 1255, A replaced by G.
Molecular consequence: intron variant.
Genome position (GRCh38, 1-based): chr1:236,743,046, A>G. VCF-style: chr1-236743046-A-G. GRCh37 (hg19) VCF-style: chr1-236906346-A-G.
Other names: c.1255+3A>G (NM_001278343.2).
Identifiers: ClinVar variation 2932648 (VCV002932648.3), dbSNP rs372863264, ClinGen allele CA1473084.